The following is an entry in ClinVar:

NM_020822.3(KCNT1):c.1201-16T>C

Gene: KCNT1 (potassium sodium-activated channel subfamily T member 1; plus strand). Cytogenetic location: 9q34.3.
Variant type: single nucleotide variant.
Coding change: c.1201-16T>C on transcript NM_020822.3 (MANE Select); 16 bases into the intron before coding-DNA position 1201, T replaced by C.
Molecular consequence: intron variant.
Genome position (GRCh38, 1-based): chr9:135,765,608, T>C. VCF-style: chr9-135765608-T-C. GRCh37 (hg19) VCF-style: chr9-138657454-T-C.
Other names: c.1066-16T>C (NM_001272003.2).
Identifiers: ClinVar variation 383684 (VCV000383684.3), dbSNP rs1057521711, ClinGen allele CA16605595.
Genomic context (GRCh38, chr9:135,765,608, plus strand): 5'-CACAGTCCTGAAGGCAGGGCCGCCCGGGCGGGGCAGGGGCTGGCTCAGAGGGTCTGACCC[T>C]CCGCCTGGCCGGCAGGACTATTACGTGGTCATCCTGTGCCCCACGGAGATGGATGTCCAG-3'

ClinVar aggregate classification (germline): Likely benign. Review status: criteria provided, multiple submitters, no conflicts (2 of 4 stars). 2 submissions from 2 submitters: Likely benign (2). Last evaluated 2024-11-13.

Conditions:
Developmental and epileptic encephalopathy, 14 (DEE14). Also called: Early infantile epileptic encephalopathy 14. Identifiers: Orphanet 293181, MedGen C3554195, MONDO:0013989, OMIM 614959.
Autosomal dominant nocturnal frontal lobe epilepsy 5. Also called: KCNT1-Related Epilepsy; CILIARY DYSKINESIA, PRIMARY, 28, WITHOUT SITUS INVERSUS; CILIARY DYSKINESIA, PRIMARY, 28, WITH SITUS INVERSUS; Epilepsy, nocturnal frontal lobe, 5. Identifiers: Orphanet 98784, MedGen C3554306, MONDO:0014002, OMIM 615005.

Allele frequency attached by ClinVar (database versions not stated): gnomAD exomes 0.00001; TOPMed 0.00001; gnomAD 0.00003.
gnomAD v4.1: 9 of 1,601,836 alleles (0.00056%); highest among the groups gnomAD compares: African/African-American, 0.0013%; no homozygotes.

Submissions (2):

Labcorp Genetics (formerly Invitae), Labcorp
Classification: Likely benign for Autosomal dominant nocturnal frontal lobe epilepsy 5; Developmental and epileptic encephalopathy, 14. Last evaluated: 2024-11-13. Review status: criteria provided, single submitter. Criteria: Invitae Variant Classification Sherloc (09022015). Collection method: clinical testing. Allele origin: germline.

GeneDx
Classification: Likely benign. Last evaluated: 2016-02-05. Review status: criteria provided, single submitter. Criteria: GeneDx Variant Classification (06012015). Collection method: clinical testing. Allele origin: germline. Affected: yes.
Comment: This variant is considered likely benign or benign based on one or more of the following criteria: it is a conservative change, it occurs at a poorly conserved position in the protein, it is predicted to be benign by multiple in silico algorithms, and/or has population frequency not consistent with disease.